The following is an entry in ClinVar:

NM_153603.4(COG7):c.1000C>T (p.Pro334Ser)

Gene: COG7 (component of oligomeric golgi complex 7; minus strand). Cytogenetic location: 16p12.2.
Variant type: single nucleotide variant.
Coding change: c.1000C>T on transcript NM_153603.4 (MANE Select); coding-DNA position 1000, C replaced by T.
Protein change: p.Pro334Ser; replaces proline 334 with serine.
Molecular consequence: missense variant.
Genome position (GRCh38, 1-based): chr16:23,424,758, G>A on the plus strand (C>T on the coding strand, the complement: COG7 is on the minus strand). VCF-style: chr16-23424758-G-A. GRCh37 (hg19) VCF-style: chr16-23436079-G-A.
Other names: c.1000C>T (NM_153603.3); short protein forms P334S.
Identifiers: ClinVar variation 2067772 (VCV002067772.3), dbSNP rs373631927, ClinGen allele CA7961114.

ClinVar aggregate classification (germline): Uncertain significance. Review status: criteria provided, multiple submitters, no conflicts (2 of 4 stars). 2 submissions from 2 submitters: Uncertain significance (2). Last evaluated 2024-08-29.

Conditions:
COG7-related disorder. Also called: COG7-related condition.
COG7 congenital disorder of glycosylation (CDG2E). Also called: CONGENITAL DISORDER OF GLYCOSYLATION, TYPE IIe; CDG IIe. Identifiers: Orphanet 79333, MedGen C2931010, MONDO:0012118, OMIM 608779.

Allele frequency attached by ClinVar (database versions not stated): ExAC 0.00001; TOPMed 0.00003; gnomAD 0.00004; gnomAD exomes 0.00007; ESP Exome Variant Server 0.00008.

Submissions (2):

Labcorp Genetics (formerly Invitae), Labcorp
Classification: Uncertain significance for COG7 congenital disorder of glycosylation. Last evaluated: 2024-08-29. Review status: criteria provided, single submitter. Criteria: Invitae Variant Classification Sherloc (09022015). Collection method: clinical testing. Allele origin: germline.
Comment: This sequence change replaces proline, which is neutral and non-polar, with serine, which is neutral and polar, at codon 334 of the COG7 protein (p.Pro334Ser). This variant is present in population databases (rs373631927, gnomAD 0.006%). This variant has not been reported in the literature in individuals affected with COG7-related conditions. ClinVar contains an entry for this variant (Variation ID: 2067772). An algorithm developed to predict the effect of missense changes on protein structure and function outputs the following: PolyPhen-2: "Benign". The serine amino acid residue is found in multiple mammalian species, which suggests that this missense change does not adversely affect protein function. In summary, the available evidence is currently insufficient to determine the role of this variant in disease. Therefore, it has been classified as a Variant of Uncertain Significance.

PreventionGenetics, part of Exact Sciences
Classification: Uncertain significance for COG7-related condition. Last evaluated: 2023-04-27. Review status: criteria provided, single submitter. Criteria: ACMG Guidelines, 2015. Collection method: clinical testing. Allele origin: germline.
Comment: The COG7 c.1000C>T variant is predicted to result in the amino acid substitution p.Pro334Ser. To our knowledge, this variant has not been reported in the literature. This variant is reported in 0.0054% of alleles in individuals of European (Non-Finnish) descent in gnomAD. At this time, the clinical significance of this variant is uncertain due to the absence of conclusive functional and genetic evidence.